The following is an entry in ClinVar:

ClinVar aggregate classification (germline): Likely benign (1 of 4 stars; one submission).

Conditions:
Catecholaminergic polymorphic ventricular tachycardia (CVPT). Also called: Catecholamine-induced polymorphic ventricular tachycardia. Identifiers: Orphanet 3286, MedGen C5574922, MONDO:0017990.

Submission:

All of Us Research Program, National Institutes of Health
Classification: Likely benign for Catecholaminergic polymorphic ventricular tachycardia. Last evaluated: 2023-03-23. Review status: criteria provided, single submitter. Criteria: ACMG Guidelines, 2015. Collection method: clinical testing. Allele origin: germline. Inheritance: Autosomal dominant inheritance. Observed: 1 variant allele, 1 heterozygote.
Comment: This study involves interpretation of variants in research participants for the purpose of population health screening. Participant phenotype was not available at the time of variant classification. Additional details can be found in publication PMID: 35346344, PMCID: PMC8962531

NM_001035.3(RYR2):c.10143-7G>A

Gene: RYR2 (ryanodine receptor 2; plus strand). Cytogenetic location: 1q43.
Variant type: single nucleotide variant.
Coding change: c.10143-7G>A on transcript NM_001035.3 (MANE Select); 7 bases into the intron before coding-DNA position 10143, G replaced by A.
Molecular consequence: intron variant.
Genome position (GRCh38, 1-based): chr1:237,709,473, G>A. VCF-style: chr1-237709473-G-A. GRCh37 (hg19) VCF-style: chr1-237872773-G-A.
Identifiers: ClinVar variation 3069977 (VCV003069977.1), dbSNP rs2547416060, ClinGen allele CA2651210718.